The following is an entry in ClinVar:

NM_001352514.2(HLCS):c.759C>A (p.Cys253Ter)

Gene: HLCS (holocarboxylase synthetase; minus strand). Cytogenetic location: 21q22.13.
Variant type: single nucleotide variant.
Coding change: c.759C>A on transcript NM_001352514.2 (MANE Select); coding-DNA position 759, C replaced by A.
Protein change: p.Cys253Ter; replaces cysteine 253 with a stop codon.
Molecular consequence: nonsense. On other transcripts: non-coding transcript variant (2).
Genome position (GRCh38, 1-based): chr21:36,937,127, G>T on the plus strand (C>A on the coding strand, the complement: HLCS is on the minus strand). VCF-style: chr21-36937127-G-T. GRCh37 (hg19) VCF-style: chr21-38309427-G-T.
Other names: c.318C>A, p.Cys106Ter (NM_000411.8, NM_001242784.3, NM_001242785.2 and 4 more transcripts); short protein forms C106*, C253*.
Identifiers: ClinVar variation 1725170 (VCV001725170.2), dbSNP rs751148714, ClinGen allele CA409913312.

ClinVar aggregate classification (germline): Likely pathogenic (1 of 4 stars; one submission).

Conditions:
Holocarboxylase synthetase deficiency. Also called: MULTIPLE CARBOXYLASE DEFICIENCY, EARLY ONSET. Identifiers: Orphanet 79242, MedGen C0268581, MONDO:0009666, OMIM 253270.

gnomAD v4.1: 1 of 1,614,126 alleles (0.000062%); highest among the groups gnomAD compares: Non-Finnish European, 0.000085%; no homozygotes.

Submission:

Myriad Genetics, Inc.
Classification: Likely pathogenic for Holocarboxylase synthetase deficiency. Last evaluated: 2021-12-01. Review status: criteria provided, single submitter. Criteria: Myriad Women's Health Autosomal Recessive and X-Linked Classification Criteria (2021). Collection method: clinical testing. Allele origin: unknown.
Comment: NM_000411.6(HLCS):c.318C>A(C106*) is expected to be pathogenic in the context of holocarboxylase synthetase deficiency. This variant is predicted to lead to an abnormal or absent protein product due to the creation of a premature termination codon in HLCS, a gene where loss-of-function variants are known to be pathogenic. Please note: this variant was assessed in the context of healthy population screening.